The following is an entry in ClinVar:

NM_013266.4(CTNNA3):c.1199T>C (p.Ile400Thr)

Gene: CTNNA3 (catenin alpha 3; minus strand). Cytogenetic location: 10q21.3.
Variant type: single nucleotide variant.
Coding change: c.1199T>C on transcript NM_013266.4 (MANE Select); coding-DNA position 1199, T replaced by C.
Protein change: p.Ile400Thr; replaces isoleucine 400 with threonine.
Molecular consequence: missense variant.
Genome position (GRCh38, 1-based): chr10:66,766,346, A>G on the plus strand (T>C on the coding strand, the complement: CTNNA3 is on the minus strand). VCF-style: chr10-66766346-A-G. GRCh37 (hg19) VCF-style: chr10-68526104-A-G.
Other names: c.1199T>C, p.Ile400Thr (NM_001127384.3); short protein forms I400T.
Identifiers: ClinVar variation 2415417 (VCV002415417.6), dbSNP rs201896157, ClinGen allele CA5520023.
Genomic context (GRCh38, chr10:66,766,346, plus strand): 5'-TCATGAAATATCGCAGCATATTCTTTTATTTCCTTTTCCCGGCCATTCTTAGCAGCTTCA[A>G]TGAGAACCAAAAGAGGGACTGTCGTATCCAGGAAAGAGTCTGACACATGATCTATAATAG-3'
Protein context (NP_037398.2, residues 390-410): LDTTVPLLVL[Ile400Thr]EAAKNGREKE

ClinVar aggregate classification (germline): Uncertain significance (1 of 4 stars; one submission).

Conditions:
Arrhythmogenic right ventricular dysplasia 13. Also called: ARRHYTHMOGENIC RIGHT VENTRICULAR CARDIOMYOPATHY 13; Arrhythmogenic right ventricular dysplasia, familial, 13. Identifiers: MedGen C3810138, MONDO:0000908, OMIM 615616.

Allele frequency attached by ClinVar (database versions not stated): TOPMed below 0.00001; gnomAD 0.00001; gnomAD exomes 0.00001; ExAC 0.00003; 1000 Genomes Project 0.00040; 1000 Genomes Project 30x 0.00047.
gnomAD v4.1: 10 of 1,613,826 alleles (0.00062%); highest among the groups gnomAD compares: South Asian, 0.0044%; no homozygotes.

Submission:

Labcorp Genetics (formerly Invitae), Labcorp
Classification: Uncertain significance for Arrhythmogenic right ventricular dysplasia 13. Last evaluated: 2024-04-11. Review status: criteria provided, single submitter. Criteria: Invitae Variant Classification Sherloc (09022015). Collection method: clinical testing. Allele origin: germline.
Comment: This sequence change replaces isoleucine, which is neutral and non-polar, with threonine, which is neutral and polar, at codon 400 of the CTNNA3 protein (p.Ile400Thr). This variant is present in population databases (rs201896157, gnomAD 0.007%). This variant has not been reported in the literature in individuals affected with CTNNA3-related conditions. ClinVar contains an entry for this variant (Variation ID: 2415417). Advanced modeling of protein sequence and biophysical properties (such as structural, functional, and spatial information, amino acid conservation, physicochemical variation, residue mobility, and thermodynamic stability) performed at Invitae indicates that this missense variant is not expected to disrupt CTNNA3 protein function with a negative predictive value of 80%. In summary, the available evidence is currently insufficient to determine the role of this variant in disease. Therefore, it has been classified as a Variant of Uncertain Significance.